The following is an entry in ClinVar:

ClinVar aggregate classification (germline): Uncertain significance (1 of 4 stars; one submission).

Conditions:
Muscular dystrophy-dystroglycanopathy (congenital with impaired intellectual development), type B, 2. Also called: Muscular dystrophy-dystroglycanopathy (congenital with intellectual disability), type B2; MUSCULAR DYSTROPHY, CONGENITAL, POMT2-RELATED. Identifiers: MedGen C3150416, MONDO:0013160, OMIM 613156.
Autosomal recessive limb-girdle muscular dystrophy type 2N. Also called: Muscular dystrophy-dystroglycanopathy (limb-girdle), type C, 2; MUSCULAR DYSTROPHY-DYSTROGLYCANOPATHY, LIMB-GIRDLE, POMT2-RELATED. Identifiers: Orphanet 206559, MedGen C3150418, MONDO:0013162, OMIM 613158.
Muscular dystrophy-dystroglycanopathy (congenital with brain and eye anomalies), type A2. Also called: MUSCULAR DYSTROPHY-DYSTROGLYCANOPATHY (CONGENITAL WITH BRAIN AND EYE ANOMALIES), TYPE A, 2; WALKER-WARBURG SYNDROME OR MUSCLE-EYE-BRAIN DISEASE, POMT2-RELATED. Identifiers: Orphanet 588, Orphanet 899, MedGen C3150411, MONDO:0013154, OMIM 613150.

Submission:

Labcorp Genetics (formerly Invitae), Labcorp
Classification: Uncertain significance for Muscular dystrophy-dystroglycanopathy (congenital with impaired intellectual development), type B, 2; Muscular dystrophy-dystroglycanopathy (congenital with brain and eye anomalies), type A2; Autosomal recessive limb-girdle muscular dystrophy type 2N. Last evaluated: 2022-07-15. Review status: criteria provided, single submitter. Criteria: Invitae Variant Classification Sherloc (09022015). Collection method: clinical testing. Allele origin: germline.
Comment: In summary, the available evidence is currently insufficient to determine the role of this variant in disease. Therefore, it has been classified as a Variant of Uncertain Significance. This sequence change replaces cysteine, which is neutral and slightly polar, with tryptophan, which is neutral and slightly polar, at codon 285 of the POMT2 protein (p.Cys285Trp). This variant is not present in population databases (gnomAD no frequency). This variant has not been reported in the literature in individuals affected with POMT2-related conditions. Algorithms developed to predict the effect of missense changes on protein structure and function are either unavailable or do not agree on the potential impact of this missense change (SIFT: "Deleterious"; PolyPhen-2: "Probably Damaging"; Align-GVGD: "Class C15").

NM_013382.7(POMT2):c.855C>G (p.Cys285Trp)

Gene: POMT2 (protein O-mannosyltransferase 2; minus strand). Cytogenetic location: 14q24.3.
Variant type: single nucleotide variant.
Coding change: c.855C>G on transcript NM_013382.7 (MANE Select); coding-DNA position 855, C replaced by G.
Protein change: p.Cys285Trp; replaces cysteine 285 with tryptophan.
Molecular consequence: missense variant.
Genome position (GRCh38, 1-based): chr14:77,299,523, G>C on the plus strand (C>G on the coding strand, the complement: POMT2 is on the minus strand). VCF-style: chr14-77299523-G-C. GRCh37 (hg19) VCF-style: chr14-77765866-G-C.
Other names: short protein forms C285W.
Identifiers: ClinVar variation 1713313 (VCV001713313.6), dbSNP rs2503267345, ClinGen allele CA390519985.